The following is an entry in ClinVar:

ClinVar aggregate classification (germline): Pathogenic (1 of 4 stars; one submission).

gnomAD v4.1: 2 of 1,571,112 alleles (0.00013%); highest among the groups gnomAD compares: African/African-American, 0.0028%; no homozygotes.

Submission:

Labcorp Genetics (formerly Invitae), Labcorp
Classification: Pathogenic. Last evaluated: 2025-06-12. Review status: criteria provided, single submitter. Criteria: Invitae Variant Classification Sherloc (09022015). Collection method: clinical testing. Allele origin: germline.
Comment: This sequence change creates a premature translational stop signal (p.Lys637*) in the NUP107 gene. It is expected to result in an absent or disrupted protein product. Loss-of-function variants in NUP107 are known to be pathogenic (PMID: 27190346). This variant is not present in population databases (gnomAD no frequency). This variant has not been reported in the literature in individuals affected with NUP107-related conditions. Algorithms developed to predict the effect of sequence changes on RNA splicing suggest that this variant may disrupt the consensus splice site. For these reasons, this variant has been classified as Pathogenic.

Literature cited by the submitters: PubMed 27190346.

NM_020401.4(NUP107):c.1909A>T (p.Lys637Ter)

Gene: NUP107 (nucleoporin 107; plus strand). Cytogenetic location: 12q15.
Variant type: single nucleotide variant.
Coding change: c.1909A>T on transcript NM_020401.4 (MANE Select); coding-DNA position 1909, A replaced by T.
Protein change: p.Lys637Ter; replaces lysine 637 with a stop codon.
Molecular consequence: nonsense.
Genome position (GRCh38, 1-based): chr12:68,731,630, A>T. VCF-style: chr12-68731630-A-T. GRCh37 (hg19) VCF-style: chr12-69125410-A-T.
Other names: c.1822A>T, p.Lys608Ter (NM_001330192.2); short protein forms K608*, K637*.
Identifiers: ClinVar variation 4768157 (VCV004768157.1).